The following is an entry in ClinVar:

ClinVar aggregate classification (germline): Conflicting classifications of pathogenicity. Review status: criteria provided, conflicting classifications (1 of 4 stars). 3 submissions from 3 submitters: Likely pathogenic (1); Uncertain significance (2). Last evaluated 2023-03-20.

Conditions:
Autosomal recessive nonsyndromic hearing loss 3. Also called: NEUROSENSORY NONSYNDROMIC RECESSIVE DEAFNESS 3. Identifiers: Orphanet 90636, MedGen C1838263, MONDO:0010860, OMIM 600316.

Allele frequency attached by ClinVar (database versions not stated): gnomAD 0.00001; gnomAD exomes 0.00002; TOPMed 0.00002; ExAC 0.00003; ESP Exome Variant Server 0.00008.
gnomAD v4.1: 27 of 1,606,518 alleles (0.0017%); highest among the groups gnomAD compares: Non-Finnish European, 0.0017%; no homozygotes.

Submissions (3):

GeneDx
Classification: Uncertain significance. Last evaluated: 2023-03-20. Review status: criteria provided, single submitter. Criteria: GeneDx Variant Classification Process June 2021. Collection method: clinical testing. Allele origin: germline.
Comment: In silico analysis supports that this missense variant has a deleterious effect on protein structure/function; Has not been previously published as pathogenic or benign to our knowledge

Blueprint Genetics
Classification: Uncertain significance. Last evaluated: 2020-12-30. Review status: criteria provided, single submitter. Criteria: ACMG Guidelines, 2015. Collection method: clinical testing. Allele origin: germline.

Molecular Diagnosis Center for Deafness
Classification: Likely pathogenic for Autosomal recessive nonsyndromic hearing loss 3. Review status: criteria provided, single submitter. Criteria: ClinGen HL ACMG Specifications v1. Collection method: clinical testing. Allele origin: maternal. Observed: 1 variant allele.

NM_016239.4(MYO15A):c.6841G>A (p.Asp2281Asn)

Gene: MYO15A (myosin XVA; plus strand). Cytogenetic location: 17p11.2.
Variant type: single nucleotide variant.
Coding change: c.6841G>A on transcript NM_016239.4 (MANE Select); coding-DNA position 6841, G replaced by A.
Protein change: p.Asp2281Asn; replaces aspartic acid 2281 with asparagine.
Molecular consequence: missense variant.
Genome position (GRCh38, 1-based): chr17:18,148,837, G>A. VCF-style: chr17-18148837-G-A. GRCh37 (hg19) VCF-style: chr17-18052151-G-A.
Other names: c.6841G>A (NM_016239.3); short protein forms D2281N.
Identifiers: ClinVar variation 1301951 (VCV001301951.5), dbSNP rs371717411, ClinGen allele CA8424681.
Genomic context (GRCh38, chr17:18,148,837, plus strand): 5'-TGGCGCGGCTGGACCGTGGCCATGAAGAATGGTGTCCAGTGGGCAGAGCTGGCTGGCCAC[G>A]ACTACGTGTTAGACCTGGTGTCGGACCTGGAGCTGCTCAGGGACTTCCCTCGACAGAAGT-3'
Protein context (NP_057323.3, residues 2271-2291): GVQWAELAGH[Asp2281Asn]YVLDLVSDLE